The following is an entry in ClinVar:

ClinVar aggregate classification (germline): Pathogenic/Likely pathogenic. Review status: criteria provided, multiple submitters, no conflicts (2 of 4 stars). 5 submissions from 5 submitters: Pathogenic (3); Likely pathogenic (1). 1 of the submissions does not count toward it. Last evaluated 2024-03-14.

Conditions:
Hereditary cancer-predisposing syndrome. Also called: Tumor predisposition; Hereditary neoplastic syndrome; Hereditary Cancer Syndrome; Neoplastic Syndromes, Hereditary. Identifiers: Orphanet 140162, MedGen C0027672, MeSH D009386, MONDO:0015356.
Hereditary breast ovarian cancer syndrome. Also called: Hereditary breast and/or ovarian cancer syndrome; Breast and ovarian cancer; Hereditary breast and ovarian cancer syndrome; Hereditary breast and ovarian cancer; Hereditary breast and ovarian cancer syndrome (HBOC); BRCA1- and BRCA2-Associated Hereditary Breast and Ovarian Cancer. Identifiers: Orphanet 145, MedGen C0677776, MeSH D061325, MONDO:0003582. Disease mechanism: loss of function.
Breast-ovarian cancer, familial, susceptibility to, 1 (BROVCA1). Also called: BRCA1 Hereditary Breast and Ovarian Cancer; OVARIAN CANCER, SUSCEPTIBILITY TO. Identifiers: Orphanet 145, MedGen C2676676, MONDO:0011450, OMIM 604370. Disease mechanism: loss of function.

Allele frequency attached by ClinVar (database versions not stated): TOPMed below 0.00001; gnomAD 0.00001.
gnomAD v4.1: 1 of 1,614,096 alleles (0.000062%); highest among the groups gnomAD compares: Non-Finnish European, 0.000085%; no homozygotes.

Submissions (6):

Labcorp Genetics (formerly Invitae), Labcorp
Classification: Pathogenic for Hereditary breast ovarian cancer syndrome. Last evaluated: 2024-03-14. Review status: criteria provided, single submitter. Criteria: Invitae Variant Classification Sherloc (09022015). Collection method: clinical testing. Allele origin: germline.
Comment: This sequence change affects a donor splice site in intron 22 of the BRCA1 gene. While this variant is not anticipated to result in nonsense mediated decay, it likely alters RNA splicing and results in a disrupted protein product. This variant is present in population databases (rs80358009, gnomAD 0.007%). Disruption of this splice site has been observed in individual(s) with breast and/or ovarian cancer (PMID: 18694767, 29446198). ClinVar contains an entry for this variant (Variation ID: 125851). Variants that disrupt the consensus splice site are a relatively common cause of aberrant splicing (PMID: 17576681, 9536098). Algorithms developed to predict the effect of sequence changes on RNA splicing suggest that this variant may disrupt the consensus splice site. This variant disrupts a region of the BRCA1 protein in which other variant(s) (p.Tyr1853*) have been determined to be pathogenic (PMID: 7894493, 10811118, 11739404, 12400015, 20104584, 21922593, 24504028). This suggests that this is a clinically significant region of the protein, and that variants that disrupt it are likely to be disease-causing. For these reasons, this variant has been classified as Pathogenic.

Ambry Genetics
Classification: Pathogenic for Hereditary cancer-predisposing syndrome. Last evaluated: 2023-08-31. Review status: criteria provided, single submitter. Criteria: Ambry Variant Classification Scheme 2023. Collection method: clinical testing. Allele origin: germline.
Comment: The c.5467+2T>C intronic pathogenic mutation results from a T to C substitution two nucleotides after coding exon 21 in the BRCA1 gene. This alteration occurs at the 3' terminus of the BRCA1 gene and is not expected to trigger nonsense-mediated mRNA decay. The exact functional effect of this alteration is unknown; however, the impacted BRCT2 domain is critical for protein function (Ambry internal data). This mutation has been reported in several unrelated families suspected of having hereditary breast and ovarian cancer (HBOC) syndrome (Tommasi S et al. Mutat. Res., 2008 Sep;644:64-70; Rebbeck TR et al. Hum Mutat, 2018 05;39:593-620). In silico splice site analysis predicts that this alteration will weaken the native splice donor site. One in vitro RNA study demonstrated that this variant resulted in skipping of coding exon 21 (designated as exon 23) (Leman R et al. Nucleic Acids Res, 2018 09;46:7913-7923). Based on the supporting evidence, this alteration is interpreted as a disease-causing mutation.

Women's Health and Genetics/Laboratory Corporation of America, LabCorp
Classification: Likely pathogenic for Hereditary breast ovarian cancer syndrome. Last evaluated: 2016-03-24. Review status: criteria provided, single submitter. Criteria: LabCorp Variant Classification Summary - May 2015. Collection method: clinical testing. Allele origin: germline.
Comment: Variant summary: The c.5467+2T>C in a BRCA1 gene is a splice-site variant that alters a conserved nucleotide. 5/5 in silico tools via Alamut predict this variant to disrupt a canonical donor sequence, however these predictions have yet to be confirmed by functional assay. The variant is absent from ExAC and been reported in affected individual(s) via publications and/or reputable database/clinical laboratory as Likely Pathogenic. Taken together, the variant was classified as Likely Pathogenic until additional information becomes available.

Consortium of Investigators of Modifiers of BRCA1/2 (CIMBA), c/o University of Cambridge
Classification: Pathogenic for Breast-ovarian cancer, familial, susceptibility to, 1. Last evaluated: 2015-10-02. Review status: criteria provided, single submitter. Criteria: CIMBA Mutation Classification guidelines May 2016. Collection method: clinical testing. Allele origin: germline.

Breast Cancer Information Core (BIC) (BRCA1)
Classification: Pathogenic for Breast-ovarian cancer, familial 1. Review status: no assertion criteria provided. Collection method: clinical testing. Allele origin: germline. Affected: yes. Observed: 1 variant allele. Not counted in ClinVar's aggregate classification.

Brotman Baty Institute, University of Washington
No classification provided (evidence only). Condition: Breast-ovarian cancer, familial 1. Review status: no classification provided. Collection method: in vitro. Allele origin: not applicable. Functional consequence: function_uncertain_variant. Not counted in ClinVar's aggregate classification.
ClinVar note: "not provided" was previously submitted as the classification for the variant. However, the classification appeared to be based only on an observation of functional data so it was converted to no classification on 2025-07-30.

Literature cited by the submitters: PubMed 18694767 (cited by 3 submitters); PubMed 29446198 (cited by Labcorp Genetics (formerly Invitae), Labcorp and Ambry Genetics); PubMed 17576681 (cited by Labcorp Genetics (formerly Invitae), Labcorp); PubMed 9536098 (cited by Labcorp Genetics (formerly Invitae), Labcorp); PubMed 7894493 (cited by Labcorp Genetics (formerly Invitae), Labcorp); PubMed 10811118 (cited by Labcorp Genetics (formerly Invitae), Labcorp); PubMed 11739404 (cited by Labcorp Genetics (formerly Invitae), Labcorp); PubMed 12400015 (cited by Labcorp Genetics (formerly Invitae), Labcorp); PubMed 20104584 (cited by Labcorp Genetics (formerly Invitae), Labcorp); PubMed 21922593 (cited by Labcorp Genetics (formerly Invitae), Labcorp); PubMed 24504028 (cited by Labcorp Genetics (formerly Invitae), Labcorp); PubMed 29750258 (cited by Ambry Genetics); PubMed 30209399 (cited by Ambry Genetics); PubMed 25724305 (cited by Women's Health and Genetics/Laboratory Corporation of America, LabCorp).

NM_007294.4(BRCA1):c.5467+2T>C

Gene: BRCA1 (BRCA1 DNA repair associated; minus strand). Cytogenetic location: 17q21.31.
Variant type: single nucleotide variant.
Coding change: c.5467+2T>C on transcript NM_007294.4 (MANE Select); the canonical splice donor site of the intron after coding-DNA position 5467, T replaced by C.
Molecular consequence: splice donor variant.
Genome position (GRCh38, 1-based): chr17:43,047,641, A>G on the plus strand (T>C on the coding strand, the complement: BRCA1 is on the minus strand). VCF-style: chr17-43047641-A-G. GRCh37 (hg19) VCF-style: chr17-41199658-A-G.
Other names: IVS23+2T>C; c.2014+2T>C (NM_001408458.1, NM_001408462.1, NM_001408461.1 and 7 more transcripts); c.4576+2T>C (NM_001407967.1); c.5086+2T>C (NM_001407959.1); c.5200+2T>C (NM_001407931.1, NM_001407932.1, NM_001407928.1 and 4 more transcripts); c.5323+2T>C (NM_001407747.1, NM_001407745.1, NM_001407737.1 and 18 more transcripts); c.5083+2T>C (NM_001407962.1, NM_001407960.1); c.1654+2T>C (NM_001408512.1); and 84 more.
Identifiers: ClinVar variation 125851 (VCV000125851.19), dbSNP rs80358009, ClinGen allele CA003611.